The following is an entry in ClinVar:

ClinVar aggregate classification (germline): Benign (1 of 4 stars; one submission).

Allele frequency attached by ClinVar (database versions not stated): gnomAD 0.01897; 1000 Genomes Project 0.01937; 1000 Genomes Project 30x 0.02030; TOPMed 0.02183.
gnomAD v4.1: 2,920 of 152,320 alleles (1.9%); highest among the groups gnomAD compares: African/African-American, 6.6%; 91 homozygotes.

Submission:

GeneDx
Classification: Benign. Last evaluated: 2018-06-12. Review status: criteria provided, single submitter. Criteria: GeneDx Variant Classification (06012015). Collection method: clinical testing. Allele origin: germline. Affected: yes.
Comment: This variant is considered likely benign or benign based on one or more of the following criteria: it is a conservative change, it occurs at a poorly conserved position in the protein, it is predicted to be benign by multiple in silico algorithms, and/or has population frequency not consistent with disease.

NM_020975.6(RET):c.1649-187C>T

Gene: RET (ret proto-oncogene; plus strand). Cytogenetic location: 10q11.21.
Variant type: single nucleotide variant.
Coding change: c.1649-187C>T on transcript NM_020975.6 (MANE Select); 187 bases into the intron before coding-DNA position 1649, C replaced by T.
Molecular consequence: intron variant.
Genome position (GRCh38, 1-based): chr10:43,112,666, C>T. VCF-style: chr10-43112666-C-T. GRCh37 (hg19) VCF-style: chr10-43608114-C-T.
Other names: c.1649-187C>T (NM_020630.7, NM_001406743.1, NM_001406744.1 and 4 more transcripts); c.1253-187C>T (NM_001406772.1, NM_001406769.1); c.1211-187C>T (NM_001406773.1, NM_001406771.1); c.752-187C>T (NM_001406782.1, NM_001406780.1, NM_001406779.1 and 3 more transcripts); c.1520-187C>T (NM_001406764.1, NM_001406762.1, NM_001406761.1 and 1 more transcripts); c.1124-187C>T (NM_001406774.1); c.623-187C>T (NM_001406786.1, NM_001406783.1); c.1361-187C>T (NM_001406770.1, NM_001406766.1, NM_001406767.1); and 5 more.
Identifiers: ClinVar variation 677077 (VCV000677077.3), dbSNP rs7358114, ClinGen allele CA13289335.